The following is an entry in ClinVar:

NM_001267550.2(TTN):c.45349+3A>G

Genes: TTN (titin; minus strand), LOC126806427 (BRD4-independent group 4 enhancer GRCh37_chr2:179485777-179486976; plus strand). Cytogenetic location: 2q31.2.
Variant type: single nucleotide variant.
Coding change: c.45349+3A>G on transcript NM_001267550.2 (MANE Select); 3 bases into the intron after coding-DNA position 45349, A replaced by G.
Molecular consequence: intron variant.
Genome position (GRCh38, 1-based): chr2:178,621,472, T>C on the plus strand (A>G on the coding strand, the complement: TTN is on the minus strand). VCF-style: chr2-178621472-T-C. GRCh37 (hg19) VCF-style: chr2-179486199-T-C.
Other names: c.18154+3A>G (NM_003319.4); c.18730+3A>G (NM_133437.4); c.18529+3A>G (NM_133432.3); c.37645+3A>G (NM_133378.4); c.40426+3A>G (NM_001256850.1).
Identifiers: ClinVar variation 467168 (VCV000467168.7), dbSNP rs1553718424, ClinGen allele CA658657160.

ClinVar aggregate classification (germline): Uncertain significance (1 of 4 stars; one submission).

Conditions:
Autosomal recessive limb-girdle muscular dystrophy type 2J (LGMDR10). Also called: Limb-girdle muscular dystrophy, type 2J; MUSCULAR DYSTROPHY, LIMB-GIRDLE, AUTOSOMAL RECESSIVE 10. Identifiers: Orphanet 140922, MedGen C1837342, MONDO:0012127, OMIM 608807.
Dilated cardiomyopathy 1G (CMD1G). Identifiers: Orphanet 154, MedGen C1858763, MONDO:0011400, OMIM 604145.

Submission:

Labcorp Genetics (formerly Invitae), Labcorp
Classification: Uncertain significance for Dilated cardiomyopathy 1G; Autosomal recessive limb-girdle muscular dystrophy type 2J. Last evaluated: 2025-11-17. Review status: criteria provided, single submitter. Criteria: Invitae Variant Classification Sherloc (09022015). Collection method: clinical testing. Allele origin: germline.
Comment: This sequence change falls in intron 245 of the TTN gene. It does not directly change the encoded amino acid sequence of the TTN protein. It affects a nucleotide within the consensus splice site. This variant is not present in population databases (gnomAD no frequency). This variant has not been reported in the literature in individuals affected with TTN-related conditions. ClinVar contains an entry for this variant (Variation ID: 467168). Variants that disrupt the consensus splice site are a relatively common cause of aberrant splicing (PMID: 17576681, 9536098). Algorithms developed to predict the effect of sequence changes on RNA splicing suggest that this variant may disrupt the consensus splice site. This variant is located in the I band of TTN (PMID: 25589632). Non-truncating variants in this region may be clinically relevant, but have not been definitively shown to cause cardiomyopathy or neuromuscular disease (PMID: 27493940, 32778822). In summary, the available evidence is currently insufficient to determine the role of this variant in disease. Therefore, it has been classified as a Variant of Uncertain Significance.

Literature cited by the submitters: PubMed 17576681; PubMed 9536098; PubMed 25589632; PubMed 27493940; PubMed 32778822.